The following is an entry in ClinVar:

ClinVar aggregate classification (germline): Uncertain significance. Review status: criteria provided, multiple submitters, no conflicts (2 of 4 stars). 2 submissions from 2 submitters: Uncertain significance (2). Last evaluated 2021-10-15.

Conditions:
Alstrom syndrome (ALMS). Identifiers: Orphanet 64, MedGen C0268425, MONDO:0008763, OMIM 203800.

Allele frequency attached by ClinVar (database versions not stated): gnomAD 0.00001.

Submissions (2):

Fulgent Genetics
Classification: Uncertain significance for Alstrom syndrome. Last evaluated: 2021-10-15. Review status: criteria provided, single submitter. Criteria: ACMG Guidelines, 2015. Collection method: clinical testing. Allele origin: unknown.

Labcorp Genetics (formerly Invitae), Labcorp
Classification: Uncertain significance for Alstrom syndrome. Last evaluated: 2021-07-25. Review status: criteria provided, single submitter. Criteria: Invitae Variant Classification Sherloc (09022015). Collection method: clinical testing. Allele origin: germline.
Comment: This sequence change replaces arginine with leucine at codon 104 of the ALMS1 protein (p.Arg104Leu). The arginine residue is weakly conserved and there is a moderate physicochemical difference between arginine and leucine. The frequency data for this variant in the population databases is considered unreliable, as metrics indicate insufficient coverage at this position in the ExAC database. This variant has not been reported in the literature in individuals affected with ALMS1-related conditions. Experimental studies and prediction algorithms are not available or were not evaluated, and the functional significance of this variant is currently unknown. In summary, the available evidence is currently insufficient to determine the role of this variant in disease. Therefore, it has been classified as a Variant of Uncertain Significance.

NM_001378454.1(ALMS1):c.308G>T (p.Arg103Leu)

Gene: ALMS1 (ALMS1 centrosome and basal body associated protein; plus strand). Cytogenetic location: 2p13.1.
Variant type: single nucleotide variant.
Coding change: c.308G>T on transcript NM_001378454.1 (MANE Select); coding-DNA position 308, G replaced by T.
Protein change: p.Arg103Leu; replaces arginine 103 with leucine.
Molecular consequence: missense variant.
Genome position (GRCh38, 1-based): chr2:73,386,176, G>T. VCF-style: chr2-73386176-G-T. GRCh37 (hg19) VCF-style: chr2-73613304-G-T.
Other names: c.311G>T, p.Arg104Leu (NM_015120.4); short protein forms R103L, R104L.
Identifiers: ClinVar variation 1490902 (VCV001490902.4), dbSNP rs1574424130, ClinGen allele CA347251045.